The following is an entry in ClinVar:

NM_003060.4(SLC22A5):c.934A>G (p.Ile312Val)

Gene: SLC22A5 (solute carrier family 22 member 5; plus strand). Cytogenetic location: 5q31.1.
Variant type: single nucleotide variant.
Coding change: c.934A>G on transcript NM_003060.4 (MANE Select); coding-DNA position 934, A replaced by G.
Protein change: p.Ile312Val; replaces isoleucine 312 with valine.
Molecular consequence: missense variant.
Genome position (GRCh38, 1-based): chr5:132,387,134, A>G. VCF-style: chr5-132387134-A-G. GRCh37 (hg19) VCF-style: chr5-131722826-A-G.
Other names: p.Ile312Val; c.1006A>G, p.Ile336Val (NM_001308122.2); short protein forms I312V, I336V.
Identifiers: ClinVar variation 381879 (VCV000381879.60), dbSNP rs77300588, ClinGen allele CA3404011.

ClinVar aggregate classification (germline): Conflicting classifications of pathogenicity. Review status: criteria provided, conflicting classifications (1 of 4 stars). 11 submissions from 11 submitters: Uncertain significance (2); Likely benign (7). 2 of the submissions do not count toward it. Last evaluated 2026-09-01.

Conditions:
Renal carnitine transport defect (CDSP). Also called: Primary carnitine deficiency; Carnitine Deficiency, Systemic; Systemic primary carnitine deficiency disease; CARNITINE DEFICIENCY, SYSTEMIC, DUE TO DEFECT IN RENAL REABSORPTION OF CARNITINE; CARNITINE TRANSPORTER, PLASMA-MEMBRANE, DEFICIENCY OF; CARNITINE UPTAKE DEFECT. Identifiers: Orphanet 158, MedGen C0342788, MONDO:0008919, OMIM 212140.

Allele frequency attached by ClinVar (database versions not stated): 1000 Genomes Project 0.00060; 1000 Genomes Project 30x 0.00062; ExAC 0.00081; gnomAD exomes 0.00085 and 0.00151; TOPMed 0.00096; ESP Exome Variant Server 0.00146.
gnomAD v4.1: 2,390 of 1,614,112 alleles (0.15%); highest among the groups gnomAD compares: Non-Finnish European, 0.19%; 3 homozygotes.

Submissions (11):

CeGaT Center for Human Genetics Tuebingen
Classification: Likely benign. Last evaluated: 2026-09-01. Review status: criteria provided, single submitter. Criteria: CeGaT Center For Human Genetics Tuebingen Variant Classification Criteria Version 2. Collection method: clinical testing. Allele origin: germline. Affected: yes. Observed: 4 variant alleles.
Comment: SLC22A5: BP4

Labcorp Genetics (formerly Invitae), Labcorp
Classification: Likely benign for Renal carnitine transport defect. Last evaluated: 2026-02-03. Review status: criteria provided, single submitter. Criteria: Invitae Variant Classification Sherloc (09022015). Collection method: clinical testing. Allele origin: germline.

Mayo Clinic Laboratories, Mayo Clinic
Classification: Likely benign. Last evaluated: 2025-08-26. Review status: criteria provided, single submitter. Criteria: ACMG Guidelines, 2015. Collection method: clinical testing. Allele origin: germline. Observed: 6 variant alleles.
Comment: BS2, BP4_moderate

Blueprint Genetics
Classification: Likely benign. Last evaluated: 2024-11-18. Review status: criteria provided, single submitter. Criteria: ACMG Guidelines, 2015. Collection method: clinical testing. Allele origin: germline.

Women's Health and Genetics/Laboratory Corporation of America, LabCorp
Classification: Uncertain significance. Last evaluated: 2023-05-09. Review status: criteria provided, single submitter. Criteria: LabCorp Variant Classification Summary - May 2015. Collection method: clinical testing. Allele origin: germline.
Comment: Variant summary: SLC22A5 c.934A>G (p.Ile312Val) results in a conservative amino acid change located in the major facilitator superfamily domain (IPR020846) of the encoded protein sequence. Four of five in-silico tools predict a benign effect of the variant on protein function. The variant allele was found at a frequency of 0.00085 in 251494 control chromosomes, predominantly at a frequency of 0.0017 within the Non-Finnish European subpopulation in the gnomAD database. This frequency is not significantly higher than estimated for a pathogenic variant in SLC22A5 causing Systemic Primary Carnitine Deficiency (0.00085 vs 0.0046), allowing no conclusion about variant significance. c.934A>G has been reported in the literature as a VUS in the heterozygous state in individuals with cardiomyopathy suspected of Systemic Primary Carnitine Deficiency and as an uninformative genotype (i.e. zygosity not specified) in a case of sudden unexplained death (e.g. Amat di San Filippo_2008, Li_2010, Christiansen_2016). These reports do not provide unequivocal conclusions about association of the variant with Systemic Primary Carnitine Deficiency. Publications reporting experimental evidence evaluating an impact on protein function found that the variant has little impact on carnitine transport, maintaining above 65% of WT activity (e.g. Amat di San Filippo_2008, Frigeni_2017). The following publications have been ascertained in the context of this evaluation (PMID: 18337137, 27650965, 28841266, 20574985). Six submitters have provided clinical-significance assessments for this variant to ClinVar after 2014 without evidence for independent evaluation and classified the variant as either likely benign (n=4) or VUS (n=2). Based on the evidence outlined above, the variant was classified as VUS-possibly benign.

Giacomini Lab, University of California, San Francisco
Classification: Likely benign for Renal carnitine transport defect. Last evaluated: 2022-10-03. Review status: criteria provided, single submitter. Criteria: ACMG Guidelines, 2015. Collection method: research, in vitro. Allele origin: germline, not applicable.

Genome-Nilou Lab
Classification: Likely benign for Renal carnitine transport defect. Last evaluated: 2021-07-15. Review status: criteria provided, single submitter. Criteria: ACMG Guidelines, 2015. Collection method: clinical testing. Allele origin: germline. Affected: no.

GeneDx
Classification: Likely benign. Last evaluated: 2021-04-14. Review status: criteria provided, single submitter. Criteria: GeneDx Variant Classification Process June 2021. Collection method: clinical testing. Allele origin: germline. Affected: yes.
Comment: This variant is associated with the following publications: (PMID: 20574985, 18337137, 28841266)

Illumina Laboratory Services, Illumina
Classification: Uncertain significance for Renal carnitine transport defect. Last evaluated: 2017-04-27. Review status: criteria provided, single submitter. Criteria: ICSL Variant Classification Criteria 13 December 2019. Collection method: clinical testing. Allele origin: germline.
Comment: This variant was observed as part of a predisposition screen in an ostensibly healthy population. A literature search was performed for the gene, cDNA change, and amino acid change (where applicable). Publications were found based on this search. However, the evidence from the literature, in combination with allele frequency data from public databases where available, was not sufficient to rule this variant in or out of causing disease. Therefore, this variant is classified as a variant of unknown significance.

Clinical Genetics DNA and cytogenetics Diagnostics Lab, Erasmus MC, Erasmus Medical Center
Classification: Likely benign. Review status: no assertion criteria provided. Collection method: clinical testing. Allele origin: germline. Affected: yes. Study: VKGL Data-share Consensus. Not counted in ClinVar's aggregate classification.

Genome Diagnostics Laboratory, University Medical Center Utrecht
Classification: Likely benign. Review status: no assertion criteria provided. Collection method: clinical testing. Allele origin: germline. Affected: yes. Study: VKGL Data-share Consensus. Not counted in ClinVar's aggregate classification.

Literature cited by the submitters: PubMed 18337137 (cited by 3 submitters); PubMed 20574985 (cited by 3 submitters); PubMed 26828774 (cited by Mayo Clinic Laboratories, Mayo Clinic); PubMed 28841266 (cited by Mayo Clinic Laboratories, Mayo Clinic and Women's Health and Genetics/Laboratory Corporation of America, LabCorp); PubMed 36343260 (cited by Mayo Clinic Laboratories, Mayo Clinic); PubMed 27650965 (cited by Women's Health and Genetics/Laboratory Corporation of America, LabCorp).